The following is an entry in ClinVar:

NM_018896.5(CACNA1G):c.4422+43G>A

Gene: CACNA1G (calcium voltage-gated channel subunit alpha1 G; plus strand). Cytogenetic location: 17q21.33.
Variant type: single nucleotide variant.
Coding change: c.4422+43G>A on transcript NM_018896.5 (MANE Select); 43 bases into the intron after coding-DNA position 4422, G replaced by A.
Molecular consequence: intron variant.
Genome position (GRCh38, 1-based): chr17:50,606,066, G>A. VCF-style: chr17-50606066-G-A. GRCh37 (hg19) VCF-style: chr17-48683427-G-A.
Other names: c.4422+43G>A (NM_001256330.2, NM_001256329.2, NM_001256331.2 and 16 more transcripts); c.4353+43G>A (NM_198396.3, NM_198379.3, NM_198387.3 and 5 more transcripts).
Identifiers: ClinVar variation 1301506 (VCV001301506.26), dbSNP rs56854760, ClinGen allele CA8653016.

ClinVar aggregate classification (germline): Likely benign. Review status: criteria provided, multiple submitters, no conflicts (2 of 4 stars). 3 submissions from 3 submitters: Likely benign (3). Last evaluated 2025-08-01.

Allele frequency attached by ClinVar (database versions not stated): gnomAD exomes 0.00045 and 0.00097; ExAC 0.00114; 1000 Genomes Project 0.00300; 1000 Genomes Project 30x 0.00312; gnomAD 0.00375 and 0.00407; ESP Exome Variant Server 0.00377; TOPMed 0.00462.
gnomAD v4.1: 1,260 of 1,613,676 alleles (0.078%); highest among the groups gnomAD compares: African/African-American, 1.4%; 11 homozygotes.

Submissions (3):

CeGaT Center for Human Genetics Tuebingen
Classification: Likely benign. Last evaluated: 2025-08-01. Review status: criteria provided, single submitter. Criteria: CeGaT Center For Human Genetics Tuebingen Variant Classification Criteria Version 2. Collection method: clinical testing. Allele origin: germline. Affected: yes. Observed: 3 variant alleles.
Comment: CACNA1G: PP2, PP3, BS1

GeneDx
Classification: Likely benign. Last evaluated: 2021-04-20. Review status: criteria provided, single submitter. Criteria: GeneDx Variant Classification Process June 2021. Collection method: clinical testing. Allele origin: germline. Affected: yes.

Breakthrough Genomics
Classification: Likely benign. Review status: criteria provided, single submitter. Criteria: ACMG Guidelines, 2015. Collection method: not provided. Allele origin: germline. Inheritance: Autosomal dominant inheritance. Affected: yes.